The following is an entry in ClinVar:

ClinVar aggregate classification (germline): Uncertain significance (1 of 4 stars; one submission).

Conditions:
Intellectual developmental disorder, autosomal recessive 6. Also called: Intellectual disability, autosomal recessive 6. Identifiers: Orphanet 88616, MedGen C1970198, MONDO:0012614, OMIM 611092.

Submission:

Baylor Genetics
Classification: Uncertain significance for Intellectual developmental disorder, autosomal recessive 6. Last evaluated: 2018-05-15. Review status: criteria provided, single submitter. Criteria: ACMG Guidelines, 2015. Collection method: clinical testing. Allele origin: paternal. Affected: yes.
Comment: This variant was determined to be of uncertain significance according to ACMG Guidelines, 2015 [PMID:25741868].

NM_021956.5(GRIK2):c.969G>A (p.Met323Ile)

Gene: GRIK2 (glutamate ionotropic receptor kainate type subunit 2; plus strand). Cytogenetic location: 6q16.3.
Variant type: single nucleotide variant.
Coding change: c.969G>A on transcript NM_021956.5 (MANE Select); coding-DNA position 969, G replaced by A.
Protein change: p.Met323Ile; replaces methionine 323 with isoleucine.
Molecular consequence: missense variant.
Genome position (GRCh38, 1-based): chr6:101,799,665, G>A. VCF-style: chr6-101799665-G-A. GRCh37 (hg19) VCF-style: chr6-102247540-G-A.
Other names: c.969G>A, p.Met323Ile (NM_001166247.1, NM_175768.3); short protein forms M323I.
Identifiers: ClinVar variation 1033990 (VCV001033990.1), dbSNP rs1780549634, ClinGen allele CA365305414.
Genomic context (GRCh38, chr6:101,799,665, plus strand): 5'-CAAGTTATATTGACTATAAATTTCCCTTTCCCTTGCTTTTCAGACTGATGCTGCTCTAAT[G>A]TATGATGCTGTGCATGTGGTGTCTGTGGCCGTTCAACAGTTTCCCCAGATGACAGTCAGT-3'
Protein context (NP_068775.1, residues 313-333): DGFMTTDAAL[Met323Ile]YDAVHVVSVA